The following is an entry in ClinVar:

NM_032444.4(SLX4):c.5006G>C (p.Arg1669Thr)

Gene: SLX4 (SLX4 structure-specific endonuclease subunit; minus strand). Cytogenetic location: 16p13.3.
Variant type: single nucleotide variant.
Coding change: c.5006G>C on transcript NM_032444.4 (MANE Select); coding-DNA position 5006, G replaced by C.
Protein change: p.Arg1669Thr; replaces arginine 1669 with threonine.
Molecular consequence: missense variant.
Genome position (GRCh38, 1-based): chr16:3,583,244, C>G on the plus strand (G>C on the coding strand, the complement: SLX4 is on the minus strand). VCF-style: chr16-3583244-C-G. GRCh37 (hg19) VCF-style: chr16-3633245-C-G.
Other names: short protein forms R1669T.
Identifiers: ClinVar variation 4700626 (VCV004700626.1).
Genomic context (GRCh38, chr16:3,583,244, plus strand): 5'-CCTGGAGGTGCCTCCTTGGTGGGCGACCTGCTTGGGGGTGTGATGCTTTCATGATGCTTC[C>G]TTTGATGTCGGGGGCCCTTGGTCTTAGCAGGTCCCTTGGGCCTATGGGCCCCAGGTCCTG-3'
Protein context (NP_115820.2, residues 1659-1679): PAKTKGPRHQ[Arg1669Thr]KHHESITPPS

ClinVar aggregate classification (germline): Uncertain significance (1 of 4 stars; one submission).

Conditions:
Fanconi anemia (FA). Also called: Fanconi's anemia. Identifiers: Orphanet 84, MedGen C0015625, MeSH D005199, MONDO:0019391.

gnomAD v4.1: 4 of 1,614,082 alleles (0.00025%); highest among the groups gnomAD compares: Non-Finnish European, 0.00034%; no homozygotes.

Submission:

Labcorp Genetics (formerly Invitae), Labcorp
Classification: Uncertain significance for Fanconi anemia. Last evaluated: 2025-06-03. Review status: criteria provided, single submitter. Criteria: Invitae Variant Classification Sherloc (09022015). Collection method: clinical testing. Allele origin: germline.
Comment: This sequence change replaces arginine, which is basic and polar, with threonine, which is neutral and polar, at codon 1669 of the SLX4 protein (p.Arg1669Thr). This variant is present in population databases (no rsID available, gnomAD 0.01%). This variant has not been reported in the literature in individuals affected with SLX4-related conditions. An algorithm developed to predict the effect of missense changes on protein structure and function (PolyPhen-2) suggests that this variant is likely to be tolerated. In summary, the available evidence is currently insufficient to determine the role of this variant in disease. Therefore, it has been classified as a Variant of Uncertain Significance.